The following is an entry in ClinVar:

ClinVar aggregate classification (germline): Pathogenic/Likely pathogenic. Review status: criteria provided, multiple submitters, no conflicts (2 of 4 stars). 2 submissions from 2 submitters: Pathogenic (1); Likely pathogenic (1). Last evaluated 2024-09-10.

Conditions:
X-linked Alport syndrome (ATS1). Also called: NEPHROPATHY AND DEAFNESS, X-LINKED; COL4A5-Related Nephropathy. Identifiers: Orphanet 63, Orphanet 88917, MedGen C4746986, MONDO:0010520, OMIM 301050.

Submissions (2):

MVZ Medizinische Genetik Mainz
Classification: Pathogenic for X-linked Alport syndrome. Last evaluated: 2024-09-10. Review status: criteria provided, single submitter. Criteria: UK Practice Guidelines For Variant Classification V4 01 2020. Collection method: clinical testing. Allele origin: germline. Inheritance: X-linked dominant inheritance. Affected: yes. Observed: 1 variant allele.
Comment: ACMG Criteria: PM1_STR,PP3_STR,PM5,PS4_SUP,PM2_SUP,PP4

Labcorp Genetics (formerly Invitae), Labcorp
Classification: Likely pathogenic. Last evaluated: 2021-06-14. Review status: criteria provided, single submitter. Criteria: Invitae Variant Classification Sherloc (09022015). Collection method: clinical testing. Allele origin: germline.
Comment: Advanced modeling of protein sequence and biophysical properties (such as structural, functional, and spatial information, amino acid conservation, physicochemical variation, residue mobility, and thermodynamic stability) performed at Invitae indicates that this missense variant is expected to disrupt COL4A5 protein function. This sequence change replaces cysteine with tyrosine at codon 1632 of the COL4A5 protein (p.Cys1632Tyr). The cysteine residue is highly conserved and there is a large physicochemical difference between cysteine and tyrosine. This variant is not present in population databases (ExAC no frequency). This variant has been observed in individual(s) with X-linked Alport syndrome (PMID: 26809805). ClinVar contains an entry for this variant (Variation ID: 587218). This variant disrupts the p.Cys1632 amino acid residue in COL4A5. Other variant(s) that disrupt this residue have been observed in individuals with COL4A5-related conditions (PMID: 20378821, 24033287, 26809805), which suggests that this may be a clinically significant amino acid residue In summary, the currently available evidence indicates that the variant is pathogenic, but additional data are needed to prove that conclusively. Therefore, this variant has been classified as Likely Pathogenic.

Literature cited by the submitters: PubMed 26809805 (cited by Labcorp Genetics (formerly Invitae), Labcorp); PubMed 20378821 (cited by Labcorp Genetics (formerly Invitae), Labcorp); PubMed 24033287 (cited by Labcorp Genetics (formerly Invitae), Labcorp).

NM_033380.3(COL4A5):c.4913G>A (p.Cys1638Tyr)

Gene: COL4A5 (collagen type IV alpha 5 chain; plus strand). Cytogenetic location: Xq22.3.
Variant type: single nucleotide variant.
Coding change: c.4913G>A on transcript NM_033380.3 (MANE Select); coding-DNA position 4913, G replaced by A.
Protein change: p.Cys1638Tyr; replaces cysteine 1638 with tyrosine.
Molecular consequence: missense variant.
Genome position (GRCh38, 1-based): chrX:108,695,358, G>A. VCF-style: chrX-108695358-G-A. GRCh37 (hg19) VCF-style: chrX-107938588-G-A.
Other names: c.4895G>A, p.Cys1632Tyr (NM_000495.5); short protein forms C1632Y, C1638Y.
Identifiers: ClinVar variation 1508377 (VCV001508377.8), dbSNP rs1569509333, ClinGen allele CA414132831.